The following is an entry in ClinVar:

ClinVar aggregate classification (germline): Pathogenic (1 of 4 stars; one submission).

Submission:

Labcorp Genetics (formerly Invitae), Labcorp
Classification: Pathogenic. Last evaluated: 2023-07-21. Review status: criteria provided, single submitter. Criteria: Invitae Variant Classification Sherloc (09022015). Collection method: clinical testing. Allele origin: germline.
Comment: For these reasons, this variant has been classified as Pathogenic. This variant has not been reported in the literature in individuals affected with LRRK1-related conditions. This variant is not present in population databases (gnomAD no frequency). This sequence change creates a premature translational stop signal (p.Ala1147Profs*2) in the LRRK1 gene. It is expected to result in an absent or disrupted protein product. Loss-of-function variants in LRRK1 are known to be pathogenic (PMID: 23526378, 31571209, 32119750).

Literature cited by the submitters: PubMed 23526378; PubMed 31571209; PubMed 32119750.

NM_024652.6(LRRK1):c.3435del (p.Ala1147fs)

Genes: LRRK1 (leucine rich repeat kinase 1; plus strand), LRRK1-AS1 (LRRK1 antisense RNA 1; minus strand). Cytogenetic location: 15q26.3.
Variant type: Deletion.
Coding change: c.3435del on transcript NM_024652.6 (MANE Select); coding-DNA position 3435, one base deleted (T; older notation c.3435delT).
Protein change: p.Ala1147fs; shifts the reading frame from alanine 1147.
Molecular consequence: frameshift variant.
Genome position (GRCh38, 1-based): chr15:101,049,779, T deleted; the last of 3 consecutive T bases (chr15:101,049,777-101,049,779); deleting any one gives the same sequence. VCF-style (leftmost placement, unchanged base first): chr15-101049776-GT-G. GRCh37 (hg19) VCF-style: chr15-101589981-GT-G.
Other names: short protein forms A1147fs.
Identifiers: ClinVar variation 2807781 (VCV002807781.3), dbSNP rs2035295556, ClinGen allele CA2200332050.